The following is an entry in ClinVar:

ClinVar aggregate classification (germline): Uncertain significance (1 of 4 stars; one submission).

Conditions:
Hereditary cancer-predisposing syndrome. Also called: Neoplastic Syndromes, Hereditary; Tumor predisposition; Hereditary neoplastic syndrome; Hereditary Cancer Syndrome. Identifiers: Orphanet 140162, MedGen C0027672, MeSH D009386, MONDO:0015356.

Submission:

Ambry Genetics
Classification: Uncertain significance for Hereditary cancer-predisposing syndrome. Last evaluated: 2024-01-12. Review status: criteria provided, single submitter. Criteria: Ambry Variant Classification Scheme 2023. Collection method: clinical testing. Allele origin: germline.
Comment: The p.N1447I variant (also known as c.4340A>T), located in coding exon 23 of the PTCH1 gene, results from an A to T substitution at nucleotide position 4340. The asparagine at codon 1447 is replaced by isoleucine, an amino acid with dissimilar properties. This amino acid position is conserved. In addition, this alteration is predicted to be tolerated by in silico analysis. Since supporting evidence is limited at this time, the clinical significance of this alteration remains unclear.

NM_000264.5(PTCH1):c.4340A>T (p.Asn1447Ile)

Gene: PTCH1 (patched 1; minus strand). Cytogenetic location: 9q22.32.
Variant type: single nucleotide variant.
Coding change: c.4340A>T on transcript NM_000264.5 (MANE Select); coding-DNA position 4340, A replaced by T.
Protein change: p.Asn1447Ile; replaces asparagine 1447 with isoleucine.
Molecular consequence: missense variant. On other transcripts: non-coding transcript variant (1).
Genome position (GRCh38, 1-based): chr9:95,446,916, T>A on the plus strand (A>T on the coding strand, the complement: PTCH1 is on the minus strand). VCF-style: chr9-95446916-T-A. GRCh37 (hg19) VCF-style: chr9-98209198-T-A.
Other names: c.4142A>T, p.Asn1381Ile (NM_001083602.3); c.4337A>T, p.Asn1446Ile (NM_001083603.3); c.3887A>T, p.Asn1296Ile (NM_001083604.3, NM_001083605.3, NM_001083606.3 and 1 more transcripts); c.4184A>T, p.Asn1395Ile (NM_001354918.2); short protein forms N1296I, N1381I, N1395I, N1446I, N1447I.
Identifiers: ClinVar variation 3231052 (VCV003231052.1), dbSNP rs972576439, ClinGen allele CA374109754.